The following is an entry in ClinVar:

ClinVar aggregate classification (germline): Pathogenic/Likely pathogenic. Review status: criteria provided, multiple submitters, no conflicts (2 of 4 stars). 4 submissions from 4 submitters: Pathogenic (1); Likely pathogenic (3). Last evaluated 2025-09-15.

Conditions:
CFTR-related disorder (CFTR-RD). Also called: CFTR-related disorders; CFTR-related condition. Identifiers: MedGen C5924204, MONDO:7770004.
Cystic fibrosis (CF). Also called: MUCOVISCIDOSIS. Identifiers: Orphanet 586, MedGen C0010674, MONDO:0009061, OMIM 219700. Disease mechanism: loss of function.
Bronchiectasis with or without elevated sweat chloride 1 (BESC1). Also called: Cystic Fibrosis-Like Syndrome. Identifiers: Orphanet 60033, MedGen C2749757, MONDO:0008887, OMIM 211400.

Submissions (4):

Natera, Inc.
Classification: Likely pathogenic for CFTR-related disorders. Last evaluated: 2025-09-15. Review status: criteria provided, single submitter. Criteria: Natera Variant Classification Schema (03/2026). Collection method: clinical testing. Allele origin: germline.
Comment: The c.1439G>A variant in CFTR is a missense variant predicted to cause substitution of glycine to aspartic acid at amino acid 480. This variant is rare in the general population with a frequency below the threshold expected for the associated phenotype(s). This variant has been observed in one or more individuals affected with the associated recessive disease, as either homozygous or compound heterozygous with a second variant (PMID: 36437230, 28546993, 25674778). Functional studies show that this variant may disrupt protein function (PMID: 38388235). Computational prediction algorithms indicate this variant is likely to affect gene or protein function. Given the available evidence, this variant is classified as Likely Pathogenic.

Women's Health and Genetics/Laboratory Corporation of America, LabCorp
Classification: Pathogenic for Cystic fibrosis. Last evaluated: 2024-08-13. Review status: criteria provided, single submitter. Criteria: LabCorp Variant Classification Summary - May 2015. Collection method: clinical testing. Allele origin: germline.
Comment: Variant summary: CFTR c.1439G>A (p.Gly480Asp) results in a non-conservative amino acid change located in the first ATP-binding domain (IPR003439) of the encoded protein sequence. Four of four in-silico tools predict a damaging effect of the variant on protein function. The variant was absent in 251304 control chromosomes (gnomAD). c.1439G>A has been reported in the literature in compound heterozygous individuals affected with Cystic Fibrosis (e.g. Behar_2017, Lopes_2023), who carried a second pathogenic variant. These data indicate that the variant may be associated with disease. A different variant affecting the same codon has been classified as pathogenic by our lab (c.1438G>T, p.Gly480Cys), supporting the critical relevance of codon 480 to CFTR protein function. At least one publication reports experimental evidence evaluating an impact on protein function. The most pronounced variant effect resulted in approximately (Gt channel conductance) 0.34% of normal chloride channel conductance relative to wild type (e.g., Bihler_2024). The following publications have been ascertained in the context of this evaluation (PMID: 38388235, 28546993, 36437230). ClinVar contains an entry for this variant (Variation ID: 53255). Based on the evidence outlined above, the variant was classified as pathogenic.

Baylor Genetics
Classification: Likely pathogenic for Bronchiectasis with or without elevated sweat chloride 1. Last evaluated: 2023-07-23. Review status: criteria provided, single submitter. Criteria: ACMG Guidelines, 2015. Collection method: clinical testing. Allele origin: unknown.

Mayo Clinic Laboratories, Mayo Clinic
Classification: Likely pathogenic. Last evaluated: 2020-10-26. Review status: criteria provided, single submitter. Criteria: ACMG Guidelines, 2015. Collection method: clinical testing. Allele origin: germline. Observed: 1 variant allele.
Comment: PM2, PM5, PP3, PP5

Literature cited by the submitters: PubMed 36437230 (cited by Natera, Inc. and Women's Health and Genetics/Laboratory Corporation of America, LabCorp); PubMed 28546993 (cited by 3 submitters); PubMed 25674778 (cited by Natera, Inc. and Mayo Clinic Laboratories, Mayo Clinic); PubMed 38388235 (cited by Natera, Inc. and Women's Health and Genetics/Laboratory Corporation of America, LabCorp).

NM_000492.4(CFTR):c.1439G>A (p.Gly480Asp)

Genes: CFTR-AS1 (CFTR antisense RNA 1; minus strand), CFTR (CF transmembrane conductance regulator; plus strand). Cytogenetic location: 7q31.2.
Variant type: single nucleotide variant.
Coding change: c.1439G>A on transcript NM_000492.4 (MANE Select); coding-DNA position 1439, G replaced by A.
Protein change: p.Gly480Asp; replaces glycine 480 with aspartic acid.
Molecular consequence: missense variant.
Genome position (GRCh38, 1-based): chr7:117,559,510, G>A. VCF-style: chr7-117559510-G-A. GRCh37 (hg19) VCF-style: chr7-117199564-G-A.
Other names: short protein forms G480D.
Identifiers: ClinVar variation 53255 (VCV000053255.8), dbSNP rs397508208, ClinGen allele CA326486.